The following is an entry in ClinVar:

ClinVar aggregate classification (germline): Pathogenic. Review status: reviewed by expert panel (3 of 4 stars). 2 submissions from 2 submitters: Pathogenic (1). 1 of the submissions does not count toward it. Last evaluated 2016-09-08.

Conditions:
Breast-ovarian cancer, familial, susceptibility to, 2 (BROVCA2). Also called: BRCA2 Hereditary Breast and Ovarian Cancer. Identifiers: Orphanet 145, MedGen C2675520, MONDO:0012933, OMIM 612555. Disease mechanism: loss of function.

Submissions (2):

Evidence-based Network for the Interpretation of Germline Mutant Alleles (ENIGMA)
Classification: Pathogenic for Breast-ovarian cancer, familial, susceptibility to, 2. Last evaluated: 2016-09-08. Review status: reviewed by expert panel. Criteria: ENIGMA BRCA1/2 Classification Criteria (2015). Collection method: curation. Allele origin: germline.
Comment: Variant allele predicted to encode a truncated non-functional protein.

Breast Cancer Information Core (BIC) (BRCA2)
Classification: Pathogenic for Breast-ovarian cancer, familial 2. Last evaluated: 2002-05-29. Review status: no assertion criteria provided. Collection method: clinical testing. Allele origin: germline. Affected: yes. Observed: 1 variant allele. Not counted in ClinVar's aggregate classification.

NM_000059.4(BRCA2):c.9360del (p.Ile3120fs)

Gene: BRCA2 (BRCA2 DNA repair associated; plus strand). Cytogenetic location: 13q13.1.
Variant type: Deletion.
Coding change: c.9360del on transcript NM_000059.4 (MANE Select); coding-DNA position 9360, one base deleted (T; older notation c.9360delT).
Protein change: p.Ile3120fs; shifts the reading frame from isoleucine 3120.
Molecular consequence: frameshift variant.
Genome position (GRCh38, 1-based): chr13:32,394,792, T deleted; the last of 2 consecutive T bases (chr13:32,394,791-32,394,792); deleting either gives the same sequence. VCF-style (leftmost placement, unchanged base first): chr13-32394790-AT-A. GRCh37 (hg19) VCF-style: chr13-32968927-AT-A.
Other names: 9588delT; c.9360delT (NM_000059.3); short protein forms I3120fs.
Identifiers: ClinVar variation 52821 (VCV000052821.2), dbSNP rs80359757, ClinGen allele CA026115.